The following is an entry in ClinVar:

ClinVar aggregate classification (germline): Pathogenic (1 of 4 stars; one submission).

Submission:

CeGaT Center for Human Genetics Tuebingen
Classification: Pathogenic. Last evaluated: 2026-05-01. Review status: criteria provided, single submitter. Criteria: CeGaT Center For Human Genetics Tuebingen Variant Classification Criteria Version 2. Collection method: clinical testing. Allele origin: germline. Affected: yes. Observed: 2 variant alleles.
Comment: ATP7A: PVS1, PM2

NM_000052.7(ATP7A):c.2872_2882del (p.Val958fs)

Gene: ATP7A (ATPase copper transporting alpha; plus strand). Cytogenetic location: Xq21.1.
Variant type: Deletion.
Coding change: c.2872_2882del on transcript NM_000052.7 (MANE Select); coding-DNA positions 2872 to 2882, 11 bases deleted (GTAATTGGATT).
Protein change: p.Val958fs; shifts the reading frame from valine 958.
Molecular consequence: frameshift variant.
Genome position (GRCh38, 1-based): chrX:78,021,035-78,021,045, GTAATTGGATT deleted; deleting any 11 consecutive bases within chrX:78,021,029-78,021,045 gives the same sequence; the c. name uses the placement nearest the transcript's 3' end. VCF-style (leftmost placement, unchanged base first): chrX-78021028-ATGGATTGTAAT-A. GRCh37 (hg19) VCF-style: chrX-77276525-ATGGATTGTAAT-A.
Other names: c.2638_2648del, p.Val880fs (NM_001282224.2); short protein forms V880fs, V958fs.
Identifiers: ClinVar variation 4823815 (VCV004823815.4).